The following is an entry in ClinVar:

NM_006231.4(POLE):c.2474G>A (p.Arg825His)

Gene: POLE (DNA polymerase epsilon, catalytic subunit; minus strand). Cytogenetic location: 12q24.33.
Variant type: single nucleotide variant.
Coding change: c.2474G>A on transcript NM_006231.4 (MANE Select); coding-DNA position 2474, G replaced by A.
Protein change: p.Arg825His; replaces arginine 825 with histidine.
Molecular consequence: missense variant.
Genome position (GRCh38, 1-based): chr12:132,664,457, C>T on the plus strand (G>A on the coding strand, the complement: POLE is on the minus strand). VCF-style: chr12-132664457-C-T. GRCh37 (hg19) VCF-style: chr12-133241043-C-T.
Other names: short protein forms R825H.
Identifiers: ClinVar variation 642972 (VCV000642972.10), dbSNP rs1555226511, ClinGen allele CA387396677.

ClinVar aggregate classification (germline): Uncertain significance (1 of 4 stars; one submission).

Submission:

Labcorp Genetics (formerly Invitae), Labcorp
Classification: Uncertain significance. Last evaluated: 2025-03-25. Review status: criteria provided, single submitter. Criteria: Invitae Variant Classification Sherloc (09022015). Collection method: clinical testing. Allele origin: germline.
Comment: This sequence change replaces arginine, which is basic and polar, with histidine, which is basic and polar, at codon 825 of the POLE protein (p.Arg825His). This variant is not present in population databases (gnomAD no frequency). This variant has not been reported in the literature in individuals affected with POLE-related conditions. ClinVar contains an entry for this variant (Variation ID: 642972). Invitae Evidence Modeling of protein sequence and biophysical properties (such as structural, functional, and spatial information, amino acid conservation, physicochemical variation, residue mobility, and thermodynamic stability) indicates that this missense variant is expected to disrupt POLE protein function with a positive predictive value of 80%. In summary, the available evidence is currently insufficient to determine the role of this variant in disease. Therefore, it has been classified as a Variant of Uncertain Significance.